The following is an entry in ClinVar:

ClinVar aggregate classification (germline): Uncertain significance. Review status: criteria provided, multiple submitters, no conflicts (2 of 4 stars). 8 submissions from 6 submitters: Uncertain significance (7). 1 of the submissions does not count toward it. Last evaluated 2024-05-29.

Conditions:
Inborn genetic diseases. Identifiers: MedGen C0950123, MeSH D030342.
Intellectual developmental disorder with epilepsy, behavioral abnormalities, and coarse facies. Identifiers: MedGen C5436646, MONDO:0033572, OMIM 619031.
Myopathy, epilepsy, and progressive cerebral atrophy. Identifiers: MedGen C5436652, MONDO:0033619, OMIM 619036.
Congenital myasthenic syndrome 15. Also called: Myasthenic syndrome, congenital, 15, without tubular aggregates. Identifiers: Orphanet 353327, Orphanet 590, MedGen C4015596, MONDO:0014542, OMIM 616227.

Allele frequency attached by ClinVar (database versions not stated): gnomAD 0.00006; TOPMed 0.00009.

Submissions (8):

Clinical Genomics Laboratory, Washington University in St. Louis
Classification: Uncertain significance for Myopathy, epilepsy, and progressive cerebral atrophy. Last evaluated: 2024-05-29. Review status: criteria provided, single submitter. Criteria: ACMG Guidelines, 2015. Collection method: clinical testing. Allele origin: germline.
Comment: The ALG14 c.422T>G (p.Val141Gly) variant has been reported in two related individuals affected with myopathy, epilepsy, and progressive cerebral atrophy and were compound heterozygous for the variant and a pathogenic variant confirmed in trans (Schorling DC et al., PMID: 28733338). This variant is only observed on 21/279,808 alleles in the general population (gnomAD v.2.1.1), indicating it is not a common variant. Computational predictors indicate that the variant is damaging, evidence that correlates with impact to ALG14 function. Due to limited information, and based on ACMG/AMP guidelines for variant interpretation (Richards S et al., PMID: 25741868), the clinical significance of this variant is uncertain at this time.

Labcorp Genetics (formerly Invitae), Labcorp
Classification: Uncertain significance for Congenital myasthenic syndrome 15. Last evaluated: 2023-11-27. Review status: criteria provided, single submitter. Criteria: Invitae Variant Classification Sherloc (09022015). Collection method: clinical testing. Allele origin: germline.
Comment: This sequence change replaces valine, which is neutral and non-polar, with glycine, which is neutral and non-polar, at codon 141 of the ALG14 protein (p.Val141Gly). This variant is present in population databases (rs139005007, gnomAD 0.01%). This missense change has been observed in individual(s) with ALG14-related congenital disorder of glycosylation (PMID: 28733338). In at least one individual the data is consistent with being in trans (on the opposite chromosome) from a pathogenic variant. It has also been observed to segregate with disease in related individuals. ClinVar contains an entry for this variant (Variation ID: 652328). An algorithm developed to predict the effect of missense changes on protein structure and function (PolyPhen-2) suggests that this variant¬†is likely to be tolerated. In summary, the available evidence is currently insufficient to determine the role of this variant in disease. Therefore, it has been classified as a Variant of Uncertain Significance.

Genome-Nilou Lab
Classification: Uncertain significance for Congenital myasthenic syndrome 15. Last evaluated: 2023-04-11. Review status: criteria provided, single submitter. Criteria: ACMG Guidelines, 2015. Collection method: clinical testing. Allele origin: germline. Affected: no.

Genome-Nilou Lab
Classification: Uncertain significance for Intellectual developmental disorder with epilepsy, behavioral abnormalities, and coarse facies. Last evaluated: 2023-04-11. Review status: criteria provided, single submitter. Criteria: ACMG Guidelines, 2015. Collection method: clinical testing. Allele origin: germline. Affected: no.

Genome-Nilou Lab
Classification: Uncertain significance for Myopathy, epilepsy, and progressive cerebral atrophy. Last evaluated: 2023-04-11. Review status: criteria provided, single submitter. Criteria: ACMG Guidelines, 2015. Collection method: clinical testing. Allele origin: germline. Affected: no.

Ambry Genetics
Classification: Uncertain significance for Inborn genetic diseases. Last evaluated: 2022-08-08. Review status: criteria provided, single submitter. Criteria: Ambry Variant Classification Scheme 2023. Collection method: clinical testing. Allele origin: germline.
Comment: The c.422T>G (p.V141G) alteration is located in exon 4 (coding exon 4) of the ALG14 gene. This alteration results from a T to G substitution at nucleotide position 422, causing the valine (V) at amino acid position 141 to be replaced by a glycine (G). Based on data from gnomAD, the G allele has an overall frequency of 0.008% (21/279808) total alleles studied. The highest observed frequency was 0.013% (17/127076) of European (non-Finnish) alleles. This amino acid position is highly conserved in available vertebrate species. This alteration is predicted to be deleterious by in silico analysis. Based on insufficient or conflicting evidence, the clinical significance of this alteration remains unclear.

SIB Swiss Institute of Bioinformatics
Classification: Uncertain significance for Myopathy, epilepsy, and progressive cerebral atrophy. Last evaluated: 2021-04-13. Review status: criteria provided, single submitter. Criteria: ACMG Guidelines, 2015. Collection method: curation. Allele origin: unknown.
Comment: This variant is interpreted as a variant of uncertain significance for Myopathy, epilepsy, and progressive cerebral atrophy, autosomal recessive. The following ACMG Tag(s) were applied: Absent from controls (or at extremely low frequency if recessive) in Exome Sequencing Project, 1000 Genomes Project, or Exome Aggregation Consortium (PM2); Cosegregation with disease in multiple affected family members in a gene definitively known to cause the disease (PP1); Multiple lines of computational evidence support a deleterious effect on the gene or gene product (PP3).

OMIM
Classification: Pathogenic for MYOPATHY, EPILEPSY, AND PROGRESSIVE CEREBRAL ATROPHY. Last evaluated: 2020-10-05. Review status: no assertion criteria provided. Collection method: literature only. Allele origin: germline. Not counted in ClinVar's aggregate classification.

Literature cited by the submitters: PubMed 28733338 (cited by 4 submitters).

NM_144988.4(ALG14):c.422T>G (p.Val141Gly)

Gene: ALG14 (ALG14 UDP-N-acetylglucosaminyltransferase subunit; minus strand). Cytogenetic location: 1p21.3.
Variant type: single nucleotide variant.
Coding change: c.422T>G on transcript NM_144988.4 (MANE Select); coding-DNA position 422, T replaced by G.
Protein change: p.Val141Gly; replaces valine 141 with glycine.
Molecular consequence: missense variant. On other transcripts: synonymous variant (1), non-coding transcript variant (1).
Genome position (GRCh38, 1-based): chr1:94,983,305, A>C on the plus strand (T>G on the coding strand, the complement: ALG14 is on the minus strand). VCF-style: chr1-94983305-A-C. GRCh37 (hg19) VCF-style: chr1-95448861-A-C.
Other names: ALG14, VAL141GLY (rs139005007); c.459T>G, p.Gly153= (NM_001305242.2); short protein forms V141G.
Identifiers: ClinVar variation 652328 (VCV000652328.11), dbSNP rs139005007, ClinGen allele CA961779.
Genomic context (GRCh38, chr1:94,983,305, plus strand): 5'-ATCCCAAGGAGAAGGGCAGATACACAGATAGGAACACATGTTCCTGGTCCGTTACACAAC[A>C]CCTGAAAGAAAAAGTTGAAGGTCAAATGAAAATACAGAATAATAATCTAAGGGAGGCATT-3'
Protein context (NP_659425.1, residues 131-151): PLIHRVKPDL[Val141Gly]LCNGPGTCVP